The following is an entry in ClinVar:

NC_000013.11:g.48303711G>A

Gene: RB1 (RB transcriptional corepressor 1; plus strand). Cytogenetic location: 13q14.2.
Variant type: single nucleotide variant.
Genome position: GRCh38 VCF-style: chr13-48303711-G-A. GRCh37 (hg19) VCF-style: chr13-48877847-G-A.
Identifiers: ClinVar variation 2727747 (VCV002727747.6), dbSNP rs1408378438, ClinGen allele CA609859217.
Genomic context (GRCh38, chr13:48,303,711, plus strand): 5'-CAGCGCCCCAGTTCCCCACAGACGCCGGCGGGCCCGGGAGCCTCGCGGACGTGACGCCGC[G>A]GGCGGAAGTGACGTTTTCCCGCGGTTGGACGCGGCGCTCAGTTGCCGGGCGGGGGAGGGC-3'

ClinVar aggregate classification (germline): Uncertain significance. Review status: criteria provided, multiple submitters, no conflicts (2 of 4 stars). 4 submissions from 4 submitters: Uncertain significance (4). Last evaluated 2026-01-07.

Conditions:
Retinoblastoma (RB1). Also called: RETINOBLASTOMA, SOMATIC. Identifiers: Orphanet 790, MedGen C0035335, MeSH D012175, MONDO:0008380, OMIM 180200, HP:0009919. Disease mechanism: loss of function. Inheritance: Both sporadic and heritable forms are tested..
Hereditary cancer-predisposing syndrome. Also called: Tumor predisposition; Neoplastic Syndromes, Hereditary; Hereditary Cancer Syndrome; Hereditary neoplastic syndrome. Identifiers: Orphanet 140162, MedGen C0027672, MeSH D009386, MONDO:0015356.

Allele frequency attached by ClinVar (database versions not stated): gnomAD exomes 0.00001; gnomAD 0.00003; TOPMed 0.00004.

Submissions (4):

Labcorp Genetics (formerly Invitae), Labcorp
Classification: Uncertain significance for Retinoblastoma. Last evaluated: 2026-01-07. Review status: criteria provided, single submitter. Criteria: Invitae Variant Classification Sherloc (09022015). Collection method: clinical testing. Allele origin: germline.
Comment: This variant occurs in a non-coding region of the RB1 gene. It does not change the encoded amino acid sequence of the RB1 protein. This variant is present in population databases (no rsID available, gnomAD 0.01%). This variant has not been reported in the literature in individuals affected with RB1-related conditions. ClinVar contains an entry for this variant (Variation ID: 2727747). Experimental studies and prediction algorithms are not available or were not evaluated, and the functional significance of this variant is currently unknown. In summary, the available evidence is currently insufficient to determine the role of this variant in disease. Therefore, it has been classified as a Variant of Uncertain Significance.

Color Diagnostics, LLC DBA Color Health
Classification: Uncertain significance for Retinoblastoma. Last evaluated: 2025-08-08. Review status: criteria provided, single submitter. Criteria: ACMG Guidelines, 2015. Collection method: clinical testing. Allele origin: germline.
Comment: This variant causes a G to A nucleotide substitution at the -202 position in the 5' untranslated region of the RB1 gene. To our knowledge, functional studies have not been reported for this variant. This variant has not been reported in individuals affected with RB1-related disorders in the literature. This variant has been identified in 2/31336 chromosomes in the general population by the Genome Aggregation Database (gnomAD). The available evidence is insufficient to determine the role of this variant in disease conclusively. Therefore, this variant is classified as a Variant of Uncertain Significance.

Ambry Genetics
Classification: Uncertain significance for Hereditary cancer-predisposing syndrome. Last evaluated: 2024-04-15. Review status: criteria provided, single submitter. Criteria: Ambry Variant Classification Scheme 2023. Collection method: clinical testing. Allele origin: germline.
Comment: The c.-202G>A variant is located in the 5' untranslated region (5&rsquo; UTR) of the RB1 gene. This variant results from a G to A substitution 202 bases upstream from the first translated codon. This nucleotide position is highly conserved in available vertebrate species. Based on the available evidence, the clinical significance of this variant remains unclear.

GeneDx
Classification: Uncertain significance. Last evaluated: 2023-07-03. Review status: criteria provided, single submitter. Criteria: GeneDx Variant Classification Process June 2021. Collection method: clinical testing. Allele origin: germline. Affected: yes.
Comment: Has not been previously published as pathogenic or benign to our knowledge